The following is an entry in ClinVar:

ClinVar aggregate classification (germline): Likely pathogenic (1 of 4 stars; one submission).

Submission:

Labcorp Genetics (formerly Invitae), Labcorp
Classification: Likely pathogenic. Last evaluated: 2024-11-05. Review status: criteria provided, single submitter. Criteria: Invitae Variant Classification Sherloc (09022015). Collection method: clinical testing. Allele origin: germline.
Comment: This sequence change affects a splice site in intron 7 of the POC1A gene. It is expected to disrupt RNA splicing. Variants that disrupt the donor or acceptor splice site typically lead to a loss of protein function (PMID: 16199547), and loss-of-function variants in POC1A are known to be pathogenic (PMID: 22840364, 26336158, 26374189). This variant is not present in population databases (gnomAD no frequency). This variant has not been reported in the literature in individuals affected with POC1A-related conditions. ClinVar contains an entry for this variant (Variation ID: 2108325). Algorithms developed to predict the effect of sequence changes on RNA splicing suggest that this variant may disrupt the consensus splice site. In summary, the currently available evidence indicates that the variant is pathogenic, but additional data are needed to prove that conclusively. Therefore, this variant has been classified as Likely Pathogenic.

Literature cited by the submitters: PubMed 16199547; PubMed 22840364; PubMed 26336158; PubMed 26374189.

NM_015426.5(POC1A):c.814-4_814-2del

Gene: POC1A (POC1 centriolar protein A; minus strand). Cytogenetic location: 3p21.2.
Variant type: Deletion.
Coding change: c.814-4_814-2del on transcript NM_015426.5 (MANE Select); 4 bases into the intron before coding-DNA position 814 through the canonical splice acceptor site of the intron before coding-DNA position 814, 3 bases deleted (CCA; older notation c.814-4_814-2delCCA).
Molecular consequence: splice acceptor variant.
Genome position (GRCh38, 1-based): chr3:52,125,183-52,125,185, TGG deleted on the plus strand (CCA on the coding strand, the reverse complement: POC1A is on the minus strand). VCF-style (leftmost placement, unchanged base first): chr3-52125182-CTGG-C. GRCh37 (hg19) VCF-style: chr3-52159198-CTGG-C.
Other names: c.814-4_814-2del (NM_001161580.2); c.700-4_700-2del (NM_001161581.2).
Identifiers: ClinVar variation 2108325 (VCV002108325.4), dbSNP rs2470849136, ClinGen allele CA2580070142.